The following is an entry in ClinVar:

NM_001396959.1(TBC1D1):c.813C>T (p.Asn271=)

Gene: TBC1D1 (TBC1 domain family member 1; plus strand). Cytogenetic location: 4p14.
Variant type: single nucleotide variant.
Coding change: c.813C>T on transcript NM_001396959.1 (MANE Select); coding-DNA position 813, C replaced by T.
Protein change: p.Asn271=; no amino-acid change (asparagine 271 retained).
Molecular consequence: synonymous variant.
Genome position (GRCh38, 1-based): chr4:38,014,904, C>T. VCF-style: chr4-38014904-C-T. GRCh37 (hg19) VCF-style: chr4-38016525-C-T.
Other names: c.813C>T, p.Asn271= (NM_001253912.2, NM_015173.4).
Identifiers: ClinVar variation 3043013 (VCV003043013.2), dbSNP rs145326826, ClinGen allele CA2887527.

ClinVar aggregate classification (germline): Likely benign (0 of 4 stars; one submission).

Conditions:
TBC1D1-related disorder. Also called: TBC1D1-related condition.

Allele frequency attached by ClinVar (database versions not stated): TOPMed 0.00020; ESP Exome Variant Server 0.00023; gnomAD exomes 0.00026; gnomAD 0.00030; 1000 Genomes Project 30x 0.00031; 1000 Genomes Project 0.00040; ExAC 0.00044.
gnomAD v4.1: 431 of 1,600,528 alleles (0.027%); highest among the groups gnomAD compares: Middle Eastern, 0.25%; 3 homozygotes.

Submission:

PreventionGenetics, part of Exact Sciences
Classification: Likely benign for TBC1D1-related condition. Last evaluated: 2019-07-12. Review status: no assertion criteria provided. Collection method: clinical testing. Allele origin: germline.
Comment: This variant is classified as likely benign based on ACMG/AMP sequence variant interpretation guidelines (Richards et al. 2015 PMID: 25741868, with internal and published modifications).